The following is an entry in ClinVar:

ClinVar aggregate classification (germline): Pathogenic. Review status: criteria provided, single submitter (1 of 4 stars). 2 submissions from 2 submitters: Pathogenic (1). 1 of the submissions does not count toward it.

Conditions:
Renal cysts and diabetes syndrome (RCAD). Also called: Familial hypoplastic, glomerulocystic kidney; MATURITY-ONSET DIABETES OF THE YOUNG, TYPE 5. Identifiers: Orphanet 93111, MedGen C0431693, MONDO:0007669, OMIM 137920.
Type 2 diabetes mellitus. Also called: Type II diabetes mellitus. Identifiers: MedGen C0011860, MeSH D003924, MONDO:0005148, OMIM 125853, HP:0005978.
HNF1B-related disorder. Also called: HNF1B-related condition; HNF1B-related disorders.
Maturity-onset diabetes of the young (MODY). Also called: Maturity onset diabetes mellitus in young. Identifiers: Orphanet 552, MedGen C0342276, MONDO:0018911, HP:0004904.

Allele frequency attached by ClinVar (database versions not stated): TOPMed 0.00002; gnomAD exomes 0.00003.
gnomAD v4.1: 40 of 1,613,306 alleles (0.0025%); highest among the groups gnomAD compares: Non-Finnish European, 0.0031%; no homozygotes.

Submissions (2):

Clinical Genomics, Uppaluri K&H Personalized Medicine Clinic
Classification: Pathogenic for Maturity-onset diabetes of the young. Review status: criteria provided, single submitter. Criteria: K & H Uppaluri Personalized Medicine Clinic Variant Classification & Assertion Criteria_Updated V.1. Collection method: research. Allele origin: unknown. Inheritance: Autosomal dominant inheritance.
Comment: HNF1B gene mutations are associated with early onset diabetes and pancreatic atrophy. It is also associated with multiple renal manifestations including renal cysts, Tubulointerstitial disease, glomerulocystic disease, renal hypoplasia, hypomagnesemia.However no sufficient evidence is found to ascertain the role of this particular variant rs193922486, yet.

PreventionGenetics, part of Exact Sciences
Classification: Uncertain significance for HNF1B-related condition. Last evaluated: 2024-04-09. Review status: no assertion criteria provided. Collection method: clinical testing. Allele origin: germline. Not counted in ClinVar's aggregate classification.
Comment: The HNF1B c.221T>G variant is predicted to result in the amino acid substitution p.Leu74Trp. To our knowledge, this variant has not been reported in the literature or in a large population database, indicating this variant is rare. At this time, the clinical significance of this variant is uncertain due to the absence of conclusive functional and genetic evidence.

Literature cited by the submitters: PubMed 24897035 (cited by Clinical Genomics, Uppaluri K&H Personalized Medicine Clinic); PubMed 25536396 (cited by Clinical Genomics, Uppaluri K&H Personalized Medicine Clinic); PubMed 27615128 (cited by Clinical Genomics, Uppaluri K&H Personalized Medicine Clinic); PubMed 28215227 (cited by Clinical Genomics, Uppaluri K&H Personalized Medicine Clinic); PubMed 33434175 (cited by Clinical Genomics, Uppaluri K&H Personalized Medicine Clinic); PubMed 25741167 (cited by Clinical Genomics, Uppaluri K&H Personalized Medicine Clinic); PubMed 26340261 (cited by Clinical Genomics, Uppaluri K&H Personalized Medicine Clinic); PubMed 19639018 (cited by Clinical Genomics, Uppaluri K&H Personalized Medicine Clinic).

NM_000458.4(HNF1B):c.221T>G (p.Leu74Trp)

Gene: HNF1B (HNF1 homeobox B; minus strand). Cytogenetic location: 17q12.
Variant type: single nucleotide variant.
Coding change: c.221T>G on transcript NM_000458.4 (MANE Select); coding-DNA position 221, T replaced by G.
Protein change: p.Leu74Trp; replaces leucine 74 with tryptophan.
Molecular consequence: missense variant.
Genome position (GRCh38, 1-based): chr17:37,744,664, A>C on the plus strand (T>G on the coding strand, the complement: HNF1B is on the minus strand). VCF-style: chr17-37744664-A-C. GRCh37 (hg19) VCF-style: chr17-36104655-A-C.
Other names: c.221T>G, p.Leu74Trp (NM_001165923.4, NM_001304286.2, NM_001411100.1); c.221T>G (NM_000458.3); short protein forms L74W.
Identifiers: ClinVar variation 1802162 (VCV001802162.3), dbSNP rs193922486, ClinGen allele CA398753761.